The following is an entry in ClinVar:

NM_001127222.2(CACNA1A):c.654G>C (p.Ser218=)

Gene: CACNA1A (calcium voltage-gated channel subunit alpha1 A; minus strand). Cytogenetic location: 19p13.13.
Variant type: single nucleotide variant.
Coding change: c.654G>C on transcript NM_001127222.2 (MANE Select); coding-DNA position 654, G replaced by C.
Protein change: p.Ser218=; no amino-acid change (serine 218 retained).
Molecular consequence: synonymous variant.
Genome position (GRCh38, 1-based): chr19:13,365,447, C>G on the plus strand (G>C on the coding strand, the complement: CACNA1A is on the minus strand). VCF-style: chr19-13365447-C-G. GRCh37 (hg19) VCF-style: chr19-13476261-C-G.
Other names: c.654G>C, p.Ser218= (NM_000068.4, NM_001127221.2, NM_001174080.2 and 1 more transcripts).
Identifiers: ClinVar variation 128559 (VCV000128559.18), dbSNP rs201991581, ClinGen allele CA152124.
Genomic context (GRCh38, chr19:13,365,447, plus strand): 5'-AAGGATTGCAAAAAATAGGAGGAGGCCGATCTGCAGCAAAGGGATCATCGCCTTCATGAT[C>G]GACTTCAGGACGACTTGTAAACCTGGGGGGACACAGAGAGAGGCCCCATAAGCCCATGAG-3'
Protein context (NP_001120694.1, residues 208-228): GIPSLQVVLK[Ser218=]IMKAMIPLLQ

ClinVar aggregate classification (germline): Benign/Likely benign. Review status: criteria provided, multiple submitters, no conflicts (2 of 4 stars). 5 submissions from 5 submitters: Benign (1); Likely benign (3). 1 of the submissions does not count toward it. Last evaluated 2025-10-02.

Conditions:
Episodic ataxia type 2 (EA2). Also called: ACETAZOLAMIDE-RESPONSIVE HEREDITARY PAROXYSMAL CEREBELLAR ATAXIA; ATAXIA, EPISODIC, WITH NYSTAGMUS; ATAXIA, FAMILIAL PAROXYSMAL; CEREBELLAR ATAXIA, PAROXYSMAL, ACETAZOLAMIDE-RESPONSIVE; CEREBELLOPATHY, HEREDITARY PAROXYSMAL; EPISODIC ATAXIA, NYSTAGMUS-ASSOCIATED. Identifiers: Orphanet 97, MedGen C1720416, MONDO:0007163, OMIM 108500.
Developmental and epileptic encephalopathy, 42 (DEE42A). Also called: DEVELOPMENTAL AND EPILEPTIC ENCEPHALOPATHY 42A; EPILEPTIC ENCEPHALOPATHY, EARLY INFANTILE, 42A; Epileptic encephalopathy, early infantile, 42. Identifiers: MedGen C4310716, MONDO:0014917, OMIM 617106.
Inborn genetic diseases. Identifiers: MedGen C0950123, MeSH D030342.

Allele frequency attached by ClinVar (database versions not stated): TOPMed 0.00006; 1000 Genomes Project 0.00020; 1000 Genomes Project 30x 0.00031.
gnomAD v4.1: 49 of 1,613,738 alleles (0.003%); highest among the groups gnomAD compares: Admixed American, 0.062%; no homozygotes.

Submissions (5):

Labcorp Genetics (formerly Invitae), Labcorp
Classification: Likely benign for Developmental and epileptic encephalopathy, 42; Episodic ataxia type 2. Last evaluated: 2025-10-02. Review status: criteria provided, single submitter. Criteria: Invitae Variant Classification Sherloc (09022015). Collection method: clinical testing. Allele origin: germline.

GeneDx
Classification: Likely benign. Last evaluated: 2021-03-16. Review status: criteria provided, single submitter. Criteria: GeneDx Variant Classification Process June 2021. Collection method: clinical testing. Allele origin: germline. Affected: yes.

Athena Diagnostics
Classification: Benign. Last evaluated: 2018-06-13. Review status: criteria provided, single submitter. Criteria: Athena Diagnostics Criteria. Collection method: clinical testing. Allele origin: germline.

Ambry Genetics
Classification: Likely benign for Inborn genetic diseases. Last evaluated: 2018-01-09. Review status: criteria provided, single submitter. Criteria: Ambry Variant Classification Scheme 2023. Collection method: clinical testing. Allele origin: germline.

Genetic Services Laboratory, University of Chicago
Classification: Likely benign for AllHighlyPenetrant. Review status: no assertion criteria provided. Collection method: clinical testing. Allele origin: germline. Inheritance: Autosomal dominant inheritance. Not counted in ClinVar's aggregate classification.
Comment: Likely benign based on allele frequency in 1000 Genomes Project or ESP global frequency and its presence in a patient with a rare or unrelated disease phenotype. NOT Sanger confirmed.